The following is an entry in ClinVar:

NM_014633.5(CTR9):c.3401C>T (p.Ser1134Leu)

Gene: CTR9 (CTR9 component of Paf1/RNA polymerase II complex; plus strand). Cytogenetic location: 11p15.4.
Variant type: single nucleotide variant.
Coding change: c.3401C>T on transcript NM_014633.5 (MANE Select); coding-DNA position 3401, C replaced by T.
Protein change: p.Ser1134Leu; replaces serine 1134 with leucine.
Molecular consequence: missense variant.
Genome position (GRCh38, 1-based): chr11:10,778,984, C>T. VCF-style: chr11-10778984-C-T. GRCh37 (hg19) VCF-style: chr11-10800531-C-T.
Other names: c.3329C>T, p.Ser1110Leu (NM_001346279.2); short protein forms S1134L, S1110L.
Identifiers: ClinVar variation 2884175 (VCV002884175.3), dbSNP rs747898514, ClinGen allele CA5885579.

ClinVar aggregate classification (germline): Uncertain significance (1 of 4 stars; one submission).

Allele frequency attached by ClinVar (database versions not stated): gnomAD 0.00001; TOPMed 0.00001; ExAC 0.00002; gnomAD exomes 0.00002.
gnomAD v4.1: 25 of 1,613,948 alleles (0.0015%); highest among the groups gnomAD compares: Middle Eastern, 0.016%; no homozygotes.

Submission:

Labcorp Genetics (formerly Invitae), Labcorp
Classification: Uncertain significance. Last evaluated: 2024-07-30. Review status: criteria provided, single submitter. Criteria: Invitae Variant Classification Sherloc (09022015). Collection method: clinical testing. Allele origin: germline.
Comment: This sequence change replaces serine, which is neutral and polar, with leucine, which is neutral and non-polar, at codon 1134 of the CTR9 protein (p.Ser1134Leu). This variant is present in population databases (rs747898514, gnomAD 0.0009%). This variant has not been reported in the literature in individuals affected with CTR9-related conditions. An algorithm developed to predict the effect of missense changes on protein structure and function (PolyPhen-2) suggests that this variant is likely to be tolerated. In summary, the available evidence is currently insufficient to determine the role of this variant in disease. Therefore, it has been classified as a Variant of Uncertain Significance.